The following is an entry in ClinVar:

ClinVar aggregate classification (germline): Uncertain significance (1 of 4 stars; one submission).

Submission:

Labcorp Genetics (formerly Invitae), Labcorp
Classification: Uncertain significance. Last evaluated: 2021-07-16. Review status: criteria provided, single submitter. Criteria: Invitae Variant Classification Sherloc (09022015). Collection method: clinical testing. Allele origin: germline.
Comment: In summary, the available evidence is currently insufficient to determine the role of this variant in disease. Therefore, it has been classified as a Variant of Uncertain Significance. Nucleotide substitutions within the consensus splice site are a relatively common cause of aberrant splicing (PMID: 17576681, 9536098). Algorithms developed to predict the effect of sequence changes on RNA splicing suggest that this variant may disrupt the consensus splice site. Algorithms developed to predict the effect of missense changes on protein structure and function are either unavailable or do not agree on the potential impact of this missense change (SIFT: "Deleterious"; PolyPhen-2: "Probably Damaging"; Align-GVGD: "Class C15"). This variant has not been reported in the literature in individuals affected with SZT2-related conditions. This variant is not present in population databases (ExAC no frequency). This sequence change replaces glutamine with histidine at codon 2942 of the SZT2 protein (p.Gln2942His). The glutamine residue is highly conserved and there is a small physicochemical difference between glutamine and histidine. This variant also falls at the last nucleotide of exon 63, which is part of the consensus splice site for this exon.

Literature cited by the submitters: PubMed 17576681; PubMed 9536098.

NM_001365999.1(SZT2):c.8997G>C (p.Gln2999His)

Gene: SZT2 (SZT2 subunit of KICSTOR complex; plus strand). Cytogenetic location: 1p34.2.
Variant type: single nucleotide variant.
Coding change: c.8997G>C on transcript NM_001365999.1 (MANE Select); coding-DNA position 8997, G replaced by C.
Protein change: p.Gln2999His; replaces glutamine 2999 with histidine.
Molecular consequence: missense variant.
Genome position (GRCh38, 1-based): chr1:43,446,259, G>C. VCF-style: chr1-43446259-G-C. GRCh37 (hg19) VCF-style: chr1-43911930-G-C.
Other names: c.8826G>C, p.Gln2942His (NM_015284.4); short protein forms Q2999H, Q2942H.
Identifiers: ClinVar variation 1367878 (VCV001367878.6), dbSNP rs1233615681, ClinGen allele CA340041899.